The following is an entry in ClinVar:

NM_001077653.2(TBX20):c.885T>G (p.Ile295Met)

Gene: TBX20 (T-box transcription factor 20; minus strand). Cytogenetic location: 7p14.2.
Variant type: single nucleotide variant.
Coding change: c.885T>G on transcript NM_001077653.2 (MANE Select); coding-DNA position 885, T replaced by G.
Protein change: p.Ile295Met; replaces isoleucine 295 with methionine.
Molecular consequence: missense variant.
Genome position (GRCh38, 1-based): chr7:35,231,509, A>C on the plus strand (T>G on the coding strand, the complement: TBX20 is on the minus strand). VCF-style: chr7-35231509-A-C. GRCh37 (hg19) VCF-style: chr7-35271121-A-C.
Other names: c.885T>G, p.Ile295Met (NM_001166220.1); short protein forms I295M.
Identifiers: ClinVar variation 2199071 (VCV002199071.4), dbSNP rs2546989786, ClinGen allele CA367263706.

ClinVar aggregate classification (germline): Uncertain significance (1 of 4 stars; one submission).

Submission:

Labcorp Genetics (formerly Invitae), Labcorp
Classification: Uncertain significance. Last evaluated: 2022-04-13. Review status: criteria provided, single submitter. Criteria: Invitae Variant Classification Sherloc (09022015). Collection method: clinical testing. Allele origin: germline.
Comment: This variant is not present in population databases (gnomAD no frequency). In summary, the available evidence is currently insufficient to determine the role of this variant in disease. Therefore, it has been classified as a Variant of Uncertain Significance. Algorithms developed to predict the effect of missense changes on protein structure and function (SIFT, PolyPhen-2, Align-GVGD) all suggest that this variant is likely to be tolerated. This variant has not been reported in the literature in individuals affected with TBX20-related conditions. This sequence change replaces isoleucine, which is neutral and non-polar, with methionine, which is neutral and non-polar, at codon 295 of the TBX20 protein (p.Ile295Met).